The following is an entry in ClinVar:

NM_001267550.2(TTN):c.32826del (p.Val10943fs)

Gene: TTN (titin; minus strand). Cytogenetic location: 2q31.2.
Variant type: Deletion.
Coding change: c.32826del on transcript NM_001267550.2 (MANE Select); coding-DNA position 32826, one base deleted (A; older notation c.32826delA).
Protein change: p.Val10943fs; shifts the reading frame from valine 10943.
Molecular consequence: frameshift variant. On other transcripts: intron variant (3).
Genome position (GRCh38, 1-based): chr2:178,683,272, T deleted on the plus strand (A on the coding strand, the reverse complement: TTN is on the minus strand). VCF-style (leftmost placement, unchanged base first): chr2-178683271-CT-C. GRCh37 (hg19) VCF-style: chr2-179547998-CT-C.
Other names: c.31875del, p.Val10626fs (NM_001256850.1); c.29094del, p.Val9699fs (NM_133378.4); c.13283-40955del (NM_003319.4); c.13859-40955del (NM_133437.4); c.13658-40955del (NM_133432.3); short protein forms V10626fs, V10943fs, V9699fs.
Identifiers: ClinVar variation 1678111 (VCV001678111.4), dbSNP rs1440823660, ClinGen allele CA538095002.
Genomic context (GRCh38, chr2:178,683,271, plus strand): 5'-CTTTGATGGGTTGAGGTTCTCTTTTTGGAGCTTCAATTGATACTTTTTCTTCTTTAACCA[CT>C]CTTTTTCTGAATTCAGTCACTTTAAAGGAGTAATTATTAAAAGTGAATTGCAAGATTCTG-3'

ClinVar aggregate classification (germline): Conflicting classifications of pathogenicity. Review status: criteria provided, conflicting classifications (1 of 4 stars). 2 submissions from 2 submitters: Likely pathogenic (1); Uncertain significance (1). Last evaluated 2023-10-16.

Conditions:
Dilated cardiomyopathy 1G (CMD1G). Identifiers: Orphanet 154, MedGen C1858763, MONDO:0011400, OMIM 604145.
Autosomal recessive limb-girdle muscular dystrophy type 2J (LGMDR10). Also called: Limb-girdle muscular dystrophy, type 2J; MUSCULAR DYSTROPHY, LIMB-GIRDLE, AUTOSOMAL RECESSIVE 10. Identifiers: Orphanet 140922, MedGen C1837342, MONDO:0012127, OMIM 608807.

Allele frequency attached by ClinVar (database versions not stated): TOPMed 0.00001; gnomAD 0.00002.

Submissions (2):

Labcorp Genetics (formerly Invitae), Labcorp
Classification: Uncertain significance for Dilated cardiomyopathy 1G; Autosomal recessive limb-girdle muscular dystrophy type 2J. Last evaluated: 2023-10-16. Review status: criteria provided, single submitter. Criteria: Invitae Variant Classification Sherloc (09022015). Collection method: clinical testing. Allele origin: germline.
Comment: This sequence change creates a premature translational stop signal (p.Val10943Trpfs*22) in the TTN gene. While this is not anticipated to result in nonsense mediated decay, it is expected to create a truncated TTN protein. This variant is present in population databases (no rsID available, gnomAD 0.01%). This variant has not been reported in the literature in individuals affected with TTN-related conditions. ClinVar contains an entry for this variant (Variation ID: 1678111). This variant is located in the I band of TTN (PMID: 25589632). Truncating variants in this region have been shown to be highly prevalent in the general population and unaffected individuals (PMID: 26701604, 22335739). However, truncating variants in this region have also been reported in individuals affected with autosomal recessive centronuclear myopathy (PMID: 23975875). In summary, the available evidence is currently insufficient to determine the role of this variant in disease. Therefore, it has been classified as a Variant of Uncertain Significance.

AiLife Diagnostics
Classification: Likely pathogenic. Last evaluated: 2021-09-22. Review status: criteria provided, single submitter. Criteria: ACMG Guidelines, 2015. Collection method: clinical testing. Allele origin: germline. Affected: yes. Observed: 1 variant allele.

Literature cited by the submitters: PubMed 25589632 (cited by Labcorp Genetics (formerly Invitae), Labcorp); PubMed 26701604 (cited by Labcorp Genetics (formerly Invitae), Labcorp); PubMed 22335739 (cited by Labcorp Genetics (formerly Invitae), Labcorp); PubMed 23975875 (cited by Labcorp Genetics (formerly Invitae), Labcorp).